The following is an entry in ClinVar:

NM_000443.4(ABCB4):c.1576G>T (p.Val526Phe)

Gene: ABCB4 (ATP binding cassette subfamily B member 4; minus strand). Cytogenetic location: 7q21.12.
Variant type: single nucleotide variant.
Coding change: c.1576G>T on transcript NM_000443.4 (MANE Select); coding-DNA position 1576, G replaced by T.
Protein change: p.Val526Phe; replaces valine 526 with phenylalanine.
Molecular consequence: missense variant.
Genome position (GRCh38, 1-based): chr7:87,439,822, C>A on the plus strand (G>T on the coding strand, the complement: ABCB4 is on the minus strand). VCF-style: chr7-87439822-C-A. GRCh37 (hg19) VCF-style: chr7-87069138-C-A.
Other names: c.1576G>T, p.Val526Phe (NM_018849.3, NM_018850.3); short protein forms V526F.
Identifiers: ClinVar variation 4846662 (VCV004846662.1).

ClinVar aggregate classification (germline): Uncertain significance (1 of 4 stars; one submission).

Conditions:
Familial intrahepatic cholestasis. Identifiers: Orphanet 284385, MedGen CN296401, MONDO:0017290.
Low phospholipid associated cholelithiasis (GBD1). Also called: Gallbladder disease 1; Gallstone cholecystitis. Identifiers: Orphanet 69663, MedGen C2609268, MONDO:0010939, OMIM 600803.

Submission:

Genomenon, Inc
Classification: Uncertain significance for Familial intrahepatic cholestasis; Low phospholipid associated cholelithiasis. Last evaluated: 2026-04-14. Review status: criteria provided, single submitter. Criteria: Genomenon Sequence Variant Interpretation Standards - Updated. Collection method: curation. Allele origin: germline. Affected: yes.
Comment: ABCB4 p.Val526Phe (c.1576G>T) is a missense variant that changes the amino acid at residue 526 from Valine to Phenylalanine. This variant has been observed in at least one proband with an ABCB4-related disorder (PMID:20537830;18482588). It is absent or not present at a significant frequency in gnomAD. In silico models predict that this variant is possibly or probably damaging. In conclusion, we classify ABCB4 p.Val526Phe (c.1576G>T) as a variant of uncertain significance.

Literature cited by the submitters: PubMed 20537830; PubMed 18482588.